The following is an entry in ClinVar:

NM_003632.3(CNTNAP1):c.1573C>T (p.Arg525Trp)

Gene: CNTNAP1 (contactin associated protein 1; plus strand). Cytogenetic location: 17q21.2.
Variant type: single nucleotide variant.
Coding change: c.1573C>T on transcript NM_003632.3 (MANE Select); coding-DNA position 1573, C replaced by T.
Protein change: p.Arg525Trp; replaces arginine 525 with tryptophan.
Molecular consequence: missense variant.
Genome position (GRCh38, 1-based): chr17:42,688,992, C>T. VCF-style: chr17-42688992-C-T. GRCh37 (hg19) VCF-style: chr17-40841010-C-T.
Other names: c.1573C>T (NM_003632.2); short protein forms R525W.
Identifiers: ClinVar variation 1423227 (VCV001423227.5), dbSNP rs370604328, ClinGen allele CA8581820.

ClinVar aggregate classification (germline): Uncertain significance. Review status: criteria provided, multiple submitters, no conflicts (2 of 4 stars). 2 submissions from 2 submitters: Uncertain significance (2). Last evaluated 2025-03-31.

Conditions:
Inborn genetic diseases. Identifiers: MedGen C0950123, MeSH D030342.

Allele frequency attached by ClinVar (database versions not stated): ExAC 0.00003; ESP Exome Variant Server 0.00015; gnomAD 0.00015 and 0.00018; TOPMed 0.00021.
gnomAD v4.1: 65 of 1,611,704 alleles (0.004%); highest among the groups gnomAD compares: African/African-American, 0.049%; 1 homozygote.

Submissions (2):

Labcorp Genetics (formerly Invitae), Labcorp
Classification: Uncertain significance. Last evaluated: 2025-03-31. Review status: criteria provided, single submitter. Criteria: Invitae Variant Classification Sherloc (09022015). Collection method: clinical testing. Allele origin: germline.
Comment: This sequence change replaces arginine, which is basic and polar, with tryptophan, which is neutral and slightly polar, at codon 525 of the CNTNAP1 protein (p.Arg525Trp). This variant is present in population databases (rs370604328, gnomAD 0.06%). This variant has not been reported in the literature in individuals affected with CNTNAP1-related conditions. ClinVar contains an entry for this variant (Variation ID: 1423227). An algorithm developed to predict the effect of missense changes on protein structure and function (PolyPhen-2) suggests that this variant is likely to be disruptive. In summary, the available evidence is currently insufficient to determine the role of this variant in disease. Therefore, it has been classified as a Variant of Uncertain Significance.

Ambry Genetics
Classification: Uncertain significance for Inborn genetic diseases. Last evaluated: 2024-10-01. Review status: criteria provided, single submitter. Criteria: Ambry Variant Classification Scheme 2023. Collection method: clinical testing. Allele origin: germline.